The following is an entry in ClinVar:

ClinVar aggregate classification (germline): Uncertain significance (1 of 4 stars; one submission).

Conditions:
Hereditary spastic paraplegia 30. Identifiers: Orphanet 101010, MedGen C5235139, MONDO:0012476.
Neuropathy, hereditary sensory, type 2C. Also called: Hereditary sensory and autonomic neuropathy type IIC; KIF1A-Related HSAN2 (HSAN2C). Identifiers: Orphanet 970, MedGen C3280168, MONDO:0013634, OMIM 614213.
Intellectual disability, autosomal dominant 9 (NESCAVS). Also called: NESCAV SYNDROME; KIF1A-Related Neurodevelopmental Disorder. Identifiers: Orphanet 662367, MedGen C5393830, MONDO:0013656, OMIM 614255.

Allele frequency attached by ClinVar (database versions not stated): gnomAD exomes below 0.00001 and 0.00001; ExAC 0.00001.
gnomAD v4.1: 3 of 1,612,516 alleles (0.00019%); highest among the groups gnomAD compares: Admixed American, 0.0017%; no homozygotes.

Submission:

Labcorp Genetics (formerly Invitae), Labcorp
Classification: Uncertain significance for Hereditary spastic paraplegia 30; Neuropathy, hereditary sensory, type 2C; Intellectual disability, autosomal dominant 9. Last evaluated: 2022-09-01. Review status: criteria provided, single submitter. Criteria: Invitae Variant Classification Sherloc (09022015). Collection method: clinical testing. Allele origin: germline.
Comment: This variant is present in population databases (rs763722570, gnomAD 0.003%). This sequence change falls in intron 14 of the KIF1A gene. It does not directly change the encoded amino acid sequence of the KIF1A protein. It affects a nucleotide within the consensus splice site. This variant has not been reported in the literature in individuals affected with KIF1A-related conditions. In summary, the available evidence is currently insufficient to determine the role of this variant in disease. Therefore, it has been classified as a Variant of Uncertain Significance. Variants that disrupt the consensus splice site are a relatively common cause of aberrant splicing (PMID: 17576681, 9536098). Algorithms developed to predict the effect of sequence changes on RNA splicing suggest that this variant is not likely to affect RNA splicing. ClinVar contains an entry for this variant (Variation ID: 1433689).

Literature cited by the submitters: PubMed 17576681; PubMed 9536098.

NM_001244008.2(KIF1A):c.1421+3G>A

Gene: KIF1A (kinesin family member 1A; minus strand). Cytogenetic location: 2q37.3.
Variant type: single nucleotide variant.
Coding change: c.1421+3G>A on transcript NM_001244008.2 (MANE Select); 3 bases into the intron after coding-DNA position 1421, G replaced by A.
Molecular consequence: intron variant.
Genome position (GRCh38, 1-based): chr2:240,769,624, C>T on the plus strand (G>A on the coding strand, the complement: KIF1A is on the minus strand). VCF-style: chr2-240769624-C-T. GRCh37 (hg19) VCF-style: chr2-241709041-C-T.
Other names: c.1394+3G>A (NM_001379653.1, NM_001379650.1, NM_001379645.1 and 10 more transcripts); c.1496+3G>A (NM_001379635.1, NM_001330290.2, NM_001379646.1 and 2 more transcripts); c.1469+3G>A (NM_001379637.1, NM_001379648.1); c.1421+3G>A (NM_001320705.2, NM_001379638.1, NM_001330289.2).
Identifiers: ClinVar variation 1433689 (VCV001433689.6), dbSNP rs763722570, ClinGen allele CA2208412.